The following is an entry in ClinVar:

ClinVar aggregate classification (germline): Benign. Review status: criteria provided, multiple submitters, no conflicts (2 of 4 stars). 5 submissions from 5 submitters: Benign (4). 1 of the submissions does not count toward it. Last evaluated 2026-02-03.

Conditions:
Microcephalic primordial dwarfism due to ZNF335 deficiency. Also called: Primary autosomal recessive microcephaly 10. Identifiers: Orphanet 329228, MedGen C3554499, MONDO:0014043, OMIM 615095.

Allele frequency attached by ClinVar (database versions not stated): ExAC 0.89384; TOPMed 0.90715; gnomAD 0.92719; 1000 Genomes Project 0.85982; 1000 Genomes Project 30x 0.86134; gnomAD exomes 0.86257; ESP Exome Variant Server 0.95423.
gnomAD v4.1: 1,418,662 of 1,526,222 alleles (93%); highest among the groups gnomAD compares: Non-Finnish European, 95%; 662,731 homozygotes.

Submissions (5):

Labcorp Genetics (formerly Invitae), Labcorp
Classification: Benign. Last evaluated: 2026-02-03. Review status: criteria provided, single submitter. Criteria: Invitae Variant Classification Sherloc (09022015). Collection method: clinical testing. Allele origin: germline.

Blueprint Genetics
Classification: Benign. Last evaluated: 2024-11-28. Review status: criteria provided, single submitter. Criteria: ACMG Guidelines, 2015. Collection method: clinical testing. Allele origin: germline.

Genome-Nilou Lab
Classification: Benign for Microcephalic primordial dwarfism due to ZNF335 deficiency. Last evaluated: 2021-12-05. Review status: criteria provided, single submitter. Criteria: ACMG Guidelines, 2015. Collection method: clinical testing. Allele origin: germline. Affected: no.

Breakthrough Genomics
Classification: Benign. Review status: criteria provided, single submitter. Criteria: ACMG Guidelines, 2015. Collection method: not provided. Allele origin: germline. Inheritance: Autosomal recessive inheritance. Affected: yes.

Genetic Services Laboratory, University of Chicago
Classification: Likely benign for AllHighlyPenetrant. Review status: no assertion criteria provided. Collection method: clinical testing. Allele origin: germline. Inheritance: Autosomal recessive inheritance. Not counted in ClinVar's aggregate classification.
Comment: Likely benign based on allele frequency in 1000 Genomes Project or ESP global frequency and its presence in a patient with a rare or unrelated disease phenotype. NOT Sanger confirmed.

NM_022095.4(ZNF335):c.201+10C>G

Gene: ZNF335 (zinc finger protein 335; minus strand). Cytogenetic location: 20q13.12.
Variant type: single nucleotide variant.
Coding change: c.201+10C>G on transcript NM_022095.4 (MANE Select); 10 bases into the intron after coding-DNA position 201, C replaced by G.
Molecular consequence: intron variant.
Genome position (GRCh38, 1-based): chr20:45,971,200, G>C on the plus strand (C>G on the coding strand, the complement: ZNF335 is on the minus strand). VCF-style: chr20-45971200-G-C. GRCh37 (hg19) VCF-style: chr20-44599839-G-C.
Identifiers: ClinVar variation 130795 (VCV000130795.17), dbSNP rs6017715, ClinGen allele CA156080.